The following is an entry in ClinVar:

ClinVar aggregate classification (germline): Conflicting classifications of pathogenicity. Review status: criteria provided, conflicting classifications (1 of 4 stars). 2 submissions from 2 submitters: Uncertain significance (1); Likely benign (1). Last evaluated 2025-06-30.

Allele frequency attached by ClinVar (database versions not stated): TOPMed below 0.00001.

Submissions (2):

ARUP Laboratories, Molecular Genetics and Genomics, ARUP Laboratories
Classification: Likely benign. Last evaluated: 2025-06-30. Review status: criteria provided, single submitter. Criteria: ARUP Molecular Germline Variant Investigation Process 2024. Collection method: clinical testing. Allele origin: germline.
Comment: The Hb J-Habana variant (HBA2: c.215C>A; p.Ala72Glu, also known as Ala71Glu when numbered from the mature protein; rs281864853, HbVar ID: 102) is reported in the literature in several individuals without clinical or hematological symptoms (HbVar database and references therein). This variant is reported in ClinVar (Variation ID: 15754), but is absent from the Genome Aggregation Database (v2.1.1), indicating it is not a common polymorphism. Computational analyses are uncertain whether this variant is neutral or deleterious (REVEL: 0.484). Based on available information, this variant is considered to be likely benign. References: Link to HbVar

Quest Diagnostics Nichols Institute San Juan Capistrano
Classification: Uncertain significance. Last evaluated: 2024-05-28. Review status: criteria provided, single submitter. Criteria: Quest Diagnostics criteria. Collection method: clinical testing. Allele origin: unknown.
Comment: The HBA2 c.215C>A (p.Ala72Glu) variant (also known as Hb J-Habana)has been reported in the published literature as having normal stability and function (. PMID: (PMID: 6618889 (1983)). This variant has not been reported in large, multi-ethnic general populations (Genome Aggregation Database). Analysis of this variant using bioinformatics tools for the prediction of the effect of amino acid changes on protein structure and function yielded predictions that this variant is benign. Based on the available information, we are unable to determine the clinical significance of this variant.

Literature cited by the submitters: PubMed 6618889 (cited by Quest Diagnostics Nichols Institute San Juan Capistrano); PubMed 3957691 (cited by Quest Diagnostics Nichols Institute San Juan Capistrano).

NM_000517.6(HBA2):c.215C>A (p.Ala72Glu)

Genes: HBA2 (hemoglobin subunit alpha 2; plus strand), LOC106804612 (hemoglobin subunit alpha 2 recombination region; plus strand). Cytogenetic location: 16p13.3.
Variant type: single nucleotide variant.
Coding change: c.215C>A on transcript NM_000517.6 (MANE Select); coding-DNA position 215, C replaced by A.
Protein change: p.Ala72Glu; replaces alanine 72 with glutamic acid.
Molecular consequence: missense variant.
Genome position (GRCh38, 1-based): chr16:173,244, C>A. VCF-style: chr16-173244-C-A. GRCh37 (hg19) VCF-style: chr16-223243-C-A.
Other names: c.215C>A (NM_000517.4); short protein forms A72E.
Identifiers: ClinVar variation 810995 (VCV000810995.12), dbSNP rs281864853, ClinGen allele CA276414830.